The following is an entry in ClinVar:

NM_032119.4(ADGRV1):c.18274T>G (p.Tyr6092Asp)

Gene: ADGRV1 (adhesion G protein-coupled receptor V1; plus strand). Cytogenetic location: 5q14.3.
Variant type: single nucleotide variant.
Coding change: c.18274T>G on transcript NM_032119.4 (MANE Select); coding-DNA position 18274, T replaced by G.
Protein change: p.Tyr6092Asp; replaces tyrosine 6092 with aspartic acid.
Molecular consequence: missense variant. On other transcripts: non-coding transcript variant (1).
Genome position (GRCh38, 1-based): chr5:91,072,568, T>G. VCF-style: chr5-91072568-T-G. GRCh37 (hg19) VCF-style: chr5-90368385-T-G.
Other names: short protein forms Y6092D.
Identifiers: ClinVar variation 1902914 (VCV001902914.5), dbSNP rs1400599341, ClinGen allele CA360431889.
Genomic context (GRCh38, chr5:91,072,568, plus strand): 5'-CTCGTGGTGGTGTTCGTGGTGTTCATCCATGCCTACCAGGTGAAGCCACAGTGGAAAGCA[T>G]ATGATGATGTCTTCAGAGGAAGGACAAATGCTGCAGGTTTGAAAGGAACTATATTTGTAC-3'
Protein context (NP_115495.3, residues 6082-6102): AYQVKPQWKA[Tyr6092Asp]DDVFRGRTNA

ClinVar aggregate classification (germline): Uncertain significance (1 of 4 stars; one submission).

gnomAD v4.1: 1 of 1,613,870 alleles (0.000062%); highest among the groups gnomAD compares: Admixed American, 0.0017%; no homozygotes.

Submission:

Labcorp Genetics (formerly Invitae), Labcorp
Classification: Uncertain significance. Last evaluated: 2022-08-16. Review status: criteria provided, single submitter. Criteria: Invitae Variant Classification Sherloc (09022015). Collection method: clinical testing. Allele origin: germline.
Comment: This variant has not been reported in the literature in individuals affected with ADGRV1-related conditions. Algorithms developed to predict the effect of missense changes on protein structure and function are either unavailable or do not agree on the potential impact of this missense change (SIFT: "Deleterious"; PolyPhen-2: "Probably Damaging"; Align-GVGD: "Class C0"). In summary, the available evidence is currently insufficient to determine the role of this variant in disease. Therefore, it has been classified as a Variant of Uncertain Significance. This sequence change replaces tyrosine, which is neutral and polar, with aspartic acid, which is acidic and polar, at codon 6092 of the ADGRV1 protein (p.Tyr6092Asp). This variant is present in population databases (no rsID available, gnomAD 0.003%).